The following is an entry in ClinVar:

ClinVar aggregate classification (germline): Uncertain significance (1 of 4 stars; one submission).

Submission:

Labcorp Genetics (formerly Invitae), Labcorp
Classification: Uncertain significance. Last evaluated: 2023-12-06. Review status: criteria provided, single submitter. Criteria: Invitae Variant Classification Sherloc (09022015). Collection method: clinical testing. Allele origin: germline.
Comment: This sequence change replaces leucine, which is neutral and non-polar, with glutamine, which is neutral and polar, at codon 663 of the CTNNA1 protein (p.Leu663Gln). This variant is not present in population databases (gnomAD no frequency). This variant has not been reported in the literature in individuals affected with CTNNA1-related conditions. An algorithm developed to predict the effect of missense changes on protein structure and function (PolyPhen-2) suggests that this variant is likely to be tolerated. In summary, the available evidence is currently insufficient to determine the role of this variant in disease. Therefore, it has been classified as a Variant of Uncertain Significance.

NM_001903.5(CTNNA1):c.1988T>A (p.Leu663Gln)

Gene: CTNNA1 (catenin alpha 1; plus strand). Cytogenetic location: 5q31.2.
Variant type: single nucleotide variant.
Coding change: c.1988T>A on transcript NM_001903.5 (MANE Select); coding-DNA position 1988, T replaced by A.
Protein change: p.Leu663Gln; replaces leucine 663 with glutamine.
Molecular consequence: missense variant.
Genome position (GRCh38, 1-based): chr5:138,929,334, T>A. VCF-style: chr5-138929334-T-A. GRCh37 (hg19) VCF-style: chr5-138265023-T-A.
Other names: c.1679T>A, p.Leu560Gln (NM_001290309.3); c.1619T>A, p.Leu540Gln (NM_001290310.3); c.878T>A, p.Leu293Gln (NM_001290312.1, NM_001323987.1, NM_001323998.1 and 17 more transcripts); c.1988T>A, p.Leu663Gln (NM_001323982.2, NM_001323983.1, NM_001323984.2 and 2 more transcripts); c.1895T>A, p.Leu632Gln (NM_001323986.2); c.539T>A, p.Leu180Gln (NM_001324006.1, NM_001324007.1, NM_001324008.1 and 2 more transcripts); c.785T>A, p.Leu262Gln (NM_001324011.1); c.635T>A, p.Leu212Gln (NM_001324012.1, NM_001324013.1); short protein forms L560Q, L663Q, L212Q, L262Q, L293Q, L540Q, L180Q, L632Q.
Identifiers: ClinVar variation 2842608 (VCV002842608.3), dbSNP rs2533821936, ClinGen allele CA361132887.
Genomic context (GRCh38, chr5:138,929,334, plus strand): 5'-TTGAGACAGAAGATTTTGATGTCAGAAGCAGGACGAGCGTCCAGACAGAAGACGATCAGC[T>A]GATAGCTGGCCAGAGTGCCCGGGTAAGGAAGCGCTCCGTGGGGCAGTTCAGCTTGTGCTG-3'
Protein context (NP_001894.2, residues 653-673): RTSVQTEDDQ[Leu663Gln]IAGQSARAIM